The following is an entry in ClinVar:

NM_015338.6(ASXL1):c.2586T>A (p.Phe862Leu)

Gene: ASXL1 (ASXL transcriptional regulator 1; plus strand). Cytogenetic location: 20q11.21.
Variant type: single nucleotide variant.
Coding change: c.2586T>A on transcript NM_015338.6 (MANE Select); coding-DNA position 2586, T replaced by A.
Protein change: p.Phe862Leu; replaces phenylalanine 862 with leucine.
Molecular consequence: missense variant.
Genome position (GRCh38, 1-based): chr20:32,435,298, T>A. VCF-style: chr20-32435298-T-A. GRCh37 (hg19) VCF-style: chr20-31023101-T-A.
Other names: c.2403T>A, p.Phe801Leu (NM_001363734.1); short protein forms F801L, F862L.
Identifiers: ClinVar variation 4864951 (VCV004864951.1).

ClinVar aggregate classification (germline): Uncertain significance (1 of 4 stars; one submission).

Conditions:
Inborn genetic diseases. Identifiers: MedGen C0950123, MeSH D030342.

Submission:

Ambry Genetics
Classification: Uncertain significance for Inborn genetic diseases. Last evaluated: 2026-06-08. Review status: criteria provided, single submitter. Criteria: Ambry Variant Classification Scheme 2023. Collection method: clinical testing. Allele origin: germline.
Comment: The p.F862L variant (also known as c.2586T>A), located in coding exon 13 of the ASXL1 gene, results from a T to A substitution at nucleotide position 2586. The phenylalanine at codon 862 is replaced by leucine, an amino acid with highly similar properties. This amino acid position is conserved. In addition, this alteration is predicted to be tolerated by in silico analysis. Based on the available evidence, the clinical significance of this variant remains unclear.